The following is an entry in ClinVar:

ClinVar aggregate classification (germline): Pathogenic (1 of 4 stars; one submission).

Conditions:
Congenital adrenal hyperplasia due to cytochrome P450 oxidoreductase deficiency. Also called: DISORDERED STEROIDOGENESIS DUE TO POR DEFICIENCY. Identifiers: Orphanet 95699, MedGen C1860042, MONDO:0013310, OMIM 613571.

Submission:

Labcorp Genetics (formerly Invitae), Labcorp
Classification: Pathogenic for Congenital adrenal hyperplasia due to cytochrome P450 oxidoreductase deficiency. Last evaluated: 2023-10-09. Review status: criteria provided, single submitter. Criteria: Invitae Variant Classification Sherloc (09022015). Collection method: clinical testing. Allele origin: germline.
Comment: This sequence change creates a premature translational stop signal (p.Glu601Serfs*12) in the POR gene. It is expected to result in an absent or disrupted protein product. Loss-of-function variants in POR are known to be pathogenic (PMID: 14758361, 20732302, 21741353). This variant is present in population databases (no rsID available, gnomAD 0.002%). This premature translational stop signal has been observed in individual(s) with cytochrome P450 oxidoreductase (POR) deficiency (PMID: 20410220). For these reasons, this variant has been classified as Pathogenic.

Literature cited by the submitters: PubMed 14758361; PubMed 20732302; PubMed 21741353; PubMed 20410220.

NM_001395413.1(POR):c.1792del (p.Glu598fs)

Gene: POR (cytochrome p450 oxidoreductase; plus strand). Cytogenetic location: 7q11.23.
Variant type: Deletion.
Coding change: c.1792del on transcript NM_001395413.1 (MANE Select); coding-DNA position 1792, one base deleted (G; older notation c.1792delG).
Protein change: p.Glu598fs; shifts the reading frame from glutamic acid 598.
Molecular consequence: frameshift variant.
Genome position (GRCh38, 1-based): chr7:75,986,054, G deleted; the last of 3 consecutive G bases (chr7:75,986,052-75,986,054); deleting any one gives the same sequence. VCF-style (leftmost placement, unchanged base first): chr7-75986051-CG-C. GRCh37 (hg19) VCF-style: chr7-75615369-CG-C.
Other names: c.1801delG, p.Glu601Serfs (NM_000941.2, NM_000941.3); c.1792del, p.Glu598fs (NM_001367562.3, NM_001382657.2, NM_001382658.3 and 1 more transcripts); c.1846del, p.Glu616fs (NM_001382655.3); c.1642del, p.Glu548fs (NM_001382662.3); short protein forms E598fs, E548fs, E616fs.
Identifiers: ClinVar variation 2735036 (VCV002735036.3), dbSNP rs1563436097, ClinGen allele CA575786105.